The following is an entry in ClinVar:

NM_001256545.2(MEGF10):c.173C>T (p.Thr58Met)

Gene: MEGF10 (multiple EGF like domains 10; plus strand). Cytogenetic location: 5q23.2.
Variant type: single nucleotide variant.
Coding change: c.173C>T on transcript NM_001256545.2 (MANE Select); coding-DNA position 173, C replaced by T.
Protein change: p.Thr58Met; replaces threonine 58 with methionine.
Molecular consequence: missense variant.
Genome position (GRCh38, 1-based): chr5:127,339,176, C>T. VCF-style: chr5-127339176-C-T. GRCh37 (hg19) VCF-style: chr5-126674868-C-T.
Other names: c.173C>T, p.Thr58Met (NM_001308119.2, NM_001308121.2, NM_032446.3); short protein forms T58M.
Identifiers: ClinVar variation 2038349 (VCV002038349.4), dbSNP rs956880529, ClinGen allele CA127484494.

ClinVar aggregate classification (germline): Uncertain significance (1 of 4 stars; one submission).

Conditions:
MEGF10-related myopathy (CMYO10A). Also called: Congenital myopathy 10A, severe variant. Identifiers: Orphanet 439212, MedGen C3280679, MONDO:0013731, OMIM 614399.

Allele frequency attached by ClinVar (database versions not stated): gnomAD exomes below 0.00001.
gnomAD v4.1: 7 of 1,612,604 alleles (0.00043%); highest among the groups gnomAD compares: Middle Eastern, 0.033%; no homozygotes.

Submission:

Labcorp Genetics (formerly Invitae), Labcorp
Classification: Uncertain significance for MEGF10-related myopathy. Last evaluated: 2022-01-16. Review status: criteria provided, single submitter. Criteria: Invitae Variant Classification Sherloc (09022015). Collection method: clinical testing. Allele origin: germline.
Comment: In summary, the available evidence is currently insufficient to determine the role of this variant in disease. Therefore, it has been classified as a Variant of Uncertain Significance. Algorithms developed to predict the effect of missense changes on protein structure and function are either unavailable or do not agree on the potential impact of this missense change (SIFT: "Deleterious"; PolyPhen-2: "Possibly Damaging"; Align-GVGD: "Class C0"). This variant has not been reported in the literature in individuals affected with MEGF10-related conditions. This variant is present in population databases (no rsID available, gnomAD 0.002%). This sequence change replaces threonine, which is neutral and polar, with methionine, which is neutral and non-polar, at codon 58 of the MEGF10 protein (p.Thr58Met).